The following is an entry in ClinVar:

ClinVar aggregate classification (germline): Pathogenic. Review status: reviewed by expert panel (3 of 4 stars). 5 submissions from 5 submitters: Pathogenic (1). 4 of the submissions do not count toward it. Last evaluated 2016-10-18.

Conditions:
Hereditary breast ovarian cancer syndrome. Also called: Hereditary breast and ovarian cancer syndrome (HBOC); Breast and ovarian cancer; Hereditary breast and ovarian cancer; BRCA1- and BRCA2-Associated Hereditary Breast and Ovarian Cancer; Hereditary breast and/or ovarian cancer syndrome; Hereditary breast and ovarian cancer syndrome. Identifiers: Orphanet 145, MedGen C0677776, MeSH D061325, MONDO:0003582. Disease mechanism: loss of function.
Breast-ovarian cancer, familial, susceptibility to, 1 (BROVCA1). Also called: BRCA1 Hereditary Breast and Ovarian Cancer; OVARIAN CANCER, SUSCEPTIBILITY TO. Identifiers: Orphanet 145, MedGen C2676676, MONDO:0011450, OMIM 604370. Disease mechanism: loss of function.

Submissions (5):

Evidence-based Network for the Interpretation of Germline Mutant Alleles (ENIGMA)
Classification: Pathogenic for Breast-ovarian cancer, familial, susceptibility to, 1. Last evaluated: 2016-10-18. Review status: reviewed by expert panel. Criteria: ENIGMA BRCA1/2 Classification Criteria (2015). Collection method: curation. Allele origin: germline.
Comment: Variant allele predicted to encode a truncated non-functional protein.

Clinical Genetics Laboratory, Skane University Hospital Lund
Classification: Pathogenic for Breast-ovarian cancer, familial, susceptibility to, 1. Last evaluated: 2026-08-24. Review status: criteria provided, single submitter. Criteria: ACMG Guidelines, 2015. Collection method: clinical testing. Allele origin: germline. Inheritance: Autosomal dominant inheritance. Affected: yes. Not counted in ClinVar's aggregate classification.

Laboratory for Molecular Medicine, Mass General Brigham Personalized Medicine
Classification: Likely pathogenic for Hereditary breast ovarian cancer syndrome. Last evaluated: 2020-06-19. Review status: criteria provided, single submitter. Criteria: ACMG Guidelines, 2015. Collection method: clinical testing. Allele origin: germline. Not counted in ClinVar's aggregate classification.
Comment: The p.Tyr1429LeufsX7 variant in BRCA1 has not been identified in individuals with hereditary breast and/or ovarian cancer (HBOC) and was absent from large population studies. However, this variant was classified as pathogenic on October 18, 2016 by the ClinGen-approved ENIGMA expert panel (ClinVar SCV000323752.1). This variant is predicted to cause a frameshift, which alters the protein’s amino acid sequence beginning at position 1429 and leads to a premature termination codon 7 amino acids downstream. This alteration is then predicted to lead to a truncated or absent protein. Loss of function of the BRCA1 gene is an established disease mechanism in autosomal dominant HBOC. In summary, although additional studies are required to fully establish its clinical significance, this variant meets criteria to be classified as likely pathogenic for autosomal dominant hereditary breast and ovarian cancer. ACMG/AMP codes applied: PVS1, PM2.

Consortium of Investigators of Modifiers of BRCA1/2 (CIMBA), c/o University of Cambridge
Classification: Pathogenic for Breast-ovarian cancer, familial, susceptibility to, 1. Last evaluated: 2015-10-02. Review status: criteria provided, single submitter. Criteria: CIMBA Mutation Classification guidelines May 2016. Collection method: clinical testing. Allele origin: germline. Not counted in ClinVar's aggregate classification.

BRCAlab, Lund University
Classification: Pathogenic for Breast-ovarian cancer, familial, susceptibility to, 1. Last evaluated: 2020-03-02. Review status: no assertion criteria provided. Collection method: clinical testing. Allele origin: germline. Affected: yes. Not counted in ClinVar's aggregate classification.

NM_007294.4(BRCA1):c.4285dup (p.Tyr1429fs)

Gene: BRCA1 (BRCA1 DNA repair associated; minus strand). Cytogenetic location: 17q21.31.
Variant type: Duplication.
Coding change: c.4285dup on transcript NM_007294.4 (MANE Select); coding-DNA position 4285, one base duplicated (T; older notation c.4285dupT).
Protein change: p.Tyr1429fs; shifts the reading frame from tyrosine 1429.
Molecular consequence: frameshift variant. On other transcripts: non-coding transcript variant (1).
Genome position (GRCh38, 1-based): chr17:43,082,476, A duplicated on the plus strand (T on the coding strand, the reverse complement: BRCA1 is on the minus strand). VCF-style (leftmost placement, unchanged base first): chr17-43082475-T-TA. GRCh37 (hg19) VCF-style: chr17-41234492-T-TA.
Other names: 4404insT; c.4072dup, p.Tyr1358Leufs (NM_001407571.1, NM_001407853.1, NM_001407894.1 and 12 more transcripts); c.4285dup, p.Tyr1429Leufs (NM_001407581.1, NM_001407582.1, NM_001407583.1 and 22 more transcripts); c.4282dup, p.Tyr1428Leufs (NM_001407587.1, NM_001407590.1, NM_001407591.1 and 21 more transcripts); c.4279dup, p.Tyr1427Leufs (NM_001407627.1, NM_001407628.1, NM_001407629.1 and 5 more transcripts); c.4273dup, p.Tyr1425Leufs (NM_001407646.1, NM_001407647.1); c.4162dup, p.Tyr1388Leufs (NM_001407648.1, NM_001407664.1, NM_001407665.1 and 13 more transcripts); c.4159dup, p.Tyr1387Leufs (NM_001407649.1, NM_001407670.1, NM_001407671.1 and 12 more transcripts); and 55 more; short protein forms Y1382fs, Y1429fs, Y326fs.
Identifiers: ClinVar variation 266466 (VCV000266466.9), dbSNP rs1555584118, ClinGen allele CA10589673.